The following is an entry in ClinVar:

NM_016107.5(ZFR):c.2466C>G (p.Ser822Arg)

Gene: ZFR (zinc finger RNA binding protein; minus strand). Cytogenetic location: 5p13.3.
Variant type: single nucleotide variant.
Coding change: c.2466C>G on transcript NM_016107.5 (MANE Select); coding-DNA position 2466, C replaced by G.
Protein change: p.Ser822Arg; replaces serine 822 with arginine.
Molecular consequence: missense variant. On other transcripts: non-coding transcript variant (1).
Genome position (GRCh38, 1-based): chr5:32,387,582, G>C on the plus strand (C>G on the coding strand, the complement: ZFR is on the minus strand). VCF-style: chr5-32387582-G-C. GRCh37 (hg19) VCF-style: chr5-32387688-G-C.
Other names: short protein forms S822R.
Identifiers: ClinVar variation 3626179 (VCV003626179.2).

ClinVar aggregate classification (germline): Uncertain significance (1 of 4 stars; one submission).

Conditions:
Pure or complex autosomal recessive spastic paraplegia. Identifiers: Orphanet 320346, MedGen C5679887, MONDO:0017915.

Submission:

Labcorp Genetics (formerly Invitae), Labcorp
Classification: Uncertain significance for Pure or complex autosomal recessive spastic paraplegia. Last evaluated: 2024-11-03. Review status: criteria provided, single submitter. Criteria: Invitae Variant Classification Sherloc (09022015). Collection method: clinical testing. Allele origin: germline.
Comment: This sequence change replaces serine, which is neutral and polar, with arginine, which is basic and polar, at codon 822 of the ZFR protein (p.Ser822Arg). This variant is not present in population databases (gnomAD no frequency). This variant has not been reported in the literature in individuals affected with ZFR-related conditions. Experimental studies and prediction algorithms are not available or were not evaluated, and the functional significance of this variant is currently unknown. In summary, the available evidence is currently insufficient to determine the role of this variant in disease. Therefore, it has been classified as a Variant of Uncertain Significance.